The following is an entry in ClinVar:

NM_018714.3(COG1):c.561-6T>C

Gene: COG1 (component of oligomeric golgi complex 1; plus strand). Cytogenetic location: 17q25.1.
Variant type: single nucleotide variant.
Coding change: c.561-6T>C on transcript NM_018714.3 (MANE Select); 6 bases into the intron before coding-DNA position 561, T replaced by C.
Molecular consequence: intron variant.
Genome position (GRCh38, 1-based): chr17:73,196,894, T>C. VCF-style: chr17-73196894-T-C. GRCh37 (hg19) VCF-style: chr17-71193033-T-C.
Other names: c.561-6T>C (NM_018714.2).
Identifiers: ClinVar variation 1561646 (VCV001561646.9), dbSNP rs1197833925, ClinGen allele CA2573154799.

ClinVar aggregate classification (germline): Conflicting classifications of pathogenicity. Review status: criteria provided, conflicting classifications (1 of 4 stars). 2 submissions from 2 submitters: Uncertain significance (1); Likely benign (1). Last evaluated 2021-10-06.

Conditions:
COG1 congenital disorder of glycosylation (CDG2G). Also called: CONGENITAL DISORDER OF GLYCOSYLATION, TYPE IIg; CDG IIg; CDGII/COG1 CEREBROCOSTOMANDIBULAR-LIKE SYNDROME. Identifiers: Orphanet 263508, MedGen C2931011, MONDO:0012637, OMIM 611209.
Inborn genetic diseases. Identifiers: MedGen C0950123, MeSH D030342.

gnomAD v4.1: 1 of 1,614,250 alleles (0.000062%); highest among the groups gnomAD compares: Admixed American, 0.0017%; no homozygotes.

Submissions (2):

Ambry Genetics
Classification: Uncertain significance for Inborn genetic diseases. Last evaluated: 2021-10-06. Review status: criteria provided, single submitter. Criteria: Ambry Variant Classification Scheme 2023. Collection method: clinical testing. Allele origin: germline.
Comment: The c.561-6T>C intronic alteration consists of a T to C substitution 6 nucleotides before exon 3 of the COG1 gene. Based on insufficient or conflicting evidence, the clinical significance of this alteration remains unclear.

Labcorp Genetics (formerly Invitae), Labcorp
Classification: Likely benign for COG1 congenital disorder of glycosylation. Last evaluated: 2021-09-09. Review status: criteria provided, single submitter. Criteria: Invitae Variant Classification Sherloc (09022015). Collection method: clinical testing. Allele origin: germline.